The following is an entry in ClinVar:

NM_000742.4(CHRNA2):c.1234G>A (p.Glu412Lys)

Gene: CHRNA2 (cholinergic receptor nicotinic alpha 2 subunit; minus strand). Cytogenetic location: 8p21.2.
Variant type: single nucleotide variant.
Coding change: c.1234G>A on transcript NM_000742.4 (MANE Select); coding-DNA position 1234, G replaced by A.
Protein change: p.Glu412Lys; replaces glutamic acid 412 with lysine.
Molecular consequence: missense variant.
Genome position (GRCh38, 1-based): chr8:27,463,209, C>T on the plus strand (G>A on the coding strand, the complement: CHRNA2 is on the minus strand). VCF-style: chr8-27463209-C-T. GRCh37 (hg19) VCF-style: chr8-27320726-C-T.
Other names: p.E412K:GAG>AAG; c.1189G>A, p.Glu397Lys (NM_001282455.2); c.757G>A, p.Glu253Lys (NM_001347705.2, NM_001347706.2); c.640G>A, p.Glu214Lys (NM_001347707.2, NM_001347708.2); short protein forms E412K, E214K, E253K, E397K.
Identifiers: ClinVar variation 128736 (VCV000128736.31), dbSNP rs141721605, ClinGen allele CA231028.

ClinVar aggregate classification (germline): Conflicting classifications of pathogenicity. Review status: criteria provided, conflicting classifications (1 of 4 stars). 8 submissions from 8 submitters: Uncertain significance (2); Benign (2); Likely benign (4). Last evaluated 2026-02-01.

Conditions:
Inborn genetic diseases. Identifiers: MedGen C0950123, MeSH D030342.
Familial sleep-related hypermotor epilepsy. Also called: Autosomal Dominant Sleep-Related Hypermotor (Hyperkinetic) Epilepsy. Identifiers: Orphanet 98784, MedGen C3696898, MONDO:0000030.
Autosomal dominant nocturnal frontal lobe epilepsy 4. Also called: EPILEPSY, FAMILIAL, WITH NOCTURNAL WANDERING AND ICTAL FEAR; CHRNA2-Related Nocturnal Frontal Lobe Epilepsy, Autosomal Dominant. Identifiers: Orphanet 98784, MedGen C1835905, MONDO:0012474, OMIM 610353.

Allele frequency attached by ClinVar (database versions not stated): TOPMed 0.00029; ESP Exome Variant Server 0.00038; gnomAD 0.00039 and 0.00040; gnomAD exomes 0.00042 and 0.00060; ExAC 0.00058.
gnomAD v4.1: 654 of 1,589,450 alleles (0.041%); highest among the groups gnomAD compares: South Asian, 0.064%; 1 homozygote.

Submissions (8):

CeGaT Center for Human Genetics Tuebingen
Classification: Likely benign. Last evaluated: 2026-02-01. Review status: criteria provided, single submitter. Criteria: CeGaT Center For Human Genetics Tuebingen Variant Classification Criteria Version 2. Collection method: clinical testing. Allele origin: germline. Affected: yes. Observed: 1 variant allele.
Comment: CHRNA2: BP4

Labcorp Genetics (formerly Invitae), Labcorp
Classification: Likely benign. Last evaluated: 2025-12-15. Review status: criteria provided, single submitter. Criteria: Invitae Variant Classification Sherloc (09022015). Collection method: clinical testing. Allele origin: germline.

Blueprint Genetics
Classification: Likely benign. Last evaluated: 2024-09-11. Review status: criteria provided, single submitter. Criteria: ACMG Guidelines, 2015. Collection method: clinical testing. Allele origin: germline.

Ambry Genetics
Classification: Likely benign for Inborn genetic diseases. Last evaluated: 2022-05-18. Review status: criteria provided, single submitter. Criteria: Ambry Variant Classification Scheme 2023. Collection method: clinical testing. Allele origin: germline.

GeneDx
Classification: Benign. Last evaluated: 2019-07-25. Review status: criteria provided, single submitter. Criteria: GeneDx Variant Classification Process June 2021. Collection method: clinical testing. Allele origin: germline. Affected: yes.

Illumina Laboratory Services, Illumina
Classification: Benign for Autosomal dominant nocturnal frontal lobe epilepsy 4. Last evaluated: 2018-01-13. Review status: criteria provided, single submitter. Criteria: ICSL Variant Classification Criteria 13 December 2019. Collection method: clinical testing. Allele origin: germline.
Comment: This variant was observed in the ICSL laboratory as part of a predisposition screen in an ostensibly healthy population. It had not been previously curated by ICSL or reported in the Human Gene Mutation Database (HGMD: prior to June 1st, 2018), and was therefore a candidate for classification through an automated scoring system. Utilizing variant allele frequency, disease prevalence and penetrance estimates, and inheritance mode, an automated score was calculated to assess if this variant is too frequent to cause the disease. Based on the score and internal cut-off values, a variant classified as benign is not then subjected to further curation. The score for this variant resulted in a classification of benign for this disease.

Eurofins Ntd Llc (ga)
Classification: Uncertain significance. Last evaluated: 2016-10-14. Review status: criteria provided, single submitter. Criteria: EGL Classification Definitions 2015. Collection method: clinical testing. Allele origin: germline. Observed: 1 variant allele, 1 heterozygote.

Genetic Services Laboratory, University of Chicago
Classification: Uncertain significance. Last evaluated: 2014-01-15. Review status: criteria provided, single submitter. Criteria: ACMG Guidelines, 2007. Collection method: clinical testing. Allele origin: germline. Inheritance: Autosomal dominant inheritance.